The following is an entry in ClinVar:

NM_001029896.2(WDR45):c.993dup (p.Phe332fs)

Gene: WDR45 (WD repeat domain 45; minus strand). Cytogenetic location: Xp11.23.
Variant type: Duplication.
Coding change: c.993dup on transcript NM_001029896.2 (MANE Select); coding-DNA position 993, one base duplicated (C; older notation c.993dupC).
Protein change: p.Phe332fs; shifts the reading frame from phenylalanine 332.
Molecular consequence: frameshift variant.
Genome position (GRCh38, 1-based): chrX:49,074,893, G duplicated on the plus strand (C on the coding strand, the reverse complement: WDR45 is on the minus strand); the first of 2 consecutive G bases (chrX:49,074,893-49,074,894); duplicating either gives the same sequence. VCF-style (leftmost placement, unchanged base first): chrX-49074892-A-AG. GRCh37 (hg19) VCF-style: chrX-48932551-A-AG.
Other names: c.996dup, p.Phe333fs (NM_007075.4); short protein forms F332fs, F333fs.
Identifiers: ClinVar variation 4795913 (VCV004795913.1).

ClinVar aggregate classification (germline): Pathogenic (1 of 4 stars; one submission).

Conditions:
Neurodegeneration with brain iron accumulation 5 (NBIA5). Also called: STATIC ENCEPHALOPATHY OF CHILDHOOD WITH NEURODEGENERATION IN ADULTHOOD; Beta-propeller protein-associated neurodegeneration. Identifiers: Orphanet 329284, MedGen C3550973, MONDO:0010476, OMIM 300894.

Submission:

Variantyx, Inc.
Classification: Pathogenic for Neurodegeneration with brain iron accumulation 5. Last evaluated: 2026-01-08. Review status: criteria provided, single submitter. Criteria: Variantyx Assertion Criteria 2022. Collection method: clinical testing. Allele origin: maternal. Inheritance: X-linked dominant inheritance. Affected: yes.
Comment: This is a frameshift variant in the WDR45 gene (OMIM: 300526). Pathogenic variants in this gene have been associated with X-linked neurodegeneration with brain iron accumulation 5. This variant introduces a premature termination codon in exon 11 out of 11 and is expected to result in loss of function, which is a known disease mechanism for WDR45 in this disorder (PMID:23687123) (PVS1). This variant is absent from control populations (PM2). Based on the current evidence, this variant is classified as pathogenic for X-linked neurodegeneration with brain iron accumulation 5.

Literature cited by the submitters: PubMed 23687123.